The following is an entry in ClinVar:

ClinVar aggregate classification (germline): Uncertain significance (1 of 4 stars; one submission).

Conditions:
Dystonic disorder. Also called: Dystonia. Identifiers: MedGen C0013421, MONDO:0003441, HP:0001332.

Allele frequency attached by ClinVar (database versions not stated): gnomAD exomes below 0.00001; ExAC 0.00001.
gnomAD v4.1: 1 of 1,614,278 alleles (0.000062%); highest among the groups gnomAD compares: South Asian, 0.0011%; no homozygotes.

Submission:

Labcorp Genetics (formerly Invitae), Labcorp
Classification: Uncertain significance for Dystonic disorder. Last evaluated: 2023-01-26. Review status: criteria provided, single submitter. Criteria: Invitae Variant Classification Sherloc (09022015). Collection method: clinical testing. Allele origin: germline.
Comment: Algorithms developed to predict the effect of missense changes on protein structure and function are either unavailable or do not agree on the potential impact of this missense change (SIFT: "Deleterious"; PolyPhen-2: "Benign"; Align-GVGD: "Class C0"). In summary, the available evidence is currently insufficient to determine the role of this variant in disease. Therefore, it has been classified as a Variant of Uncertain Significance. This variant has not been reported in the literature in individuals affected with CIZ1-related conditions. This variant is present in population databases (rs780499364, gnomAD 0.003%). This sequence change replaces threonine, which is neutral and polar, with isoleucine, which is neutral and non-polar, at codon 479 of the CIZ1 protein (p.Thr479Ile).

NM_001131016.2(CIZ1):c.1436C>T (p.Thr479Ile)

Gene: CIZ1 (CDKN1A interacting zinc finger protein 1; minus strand). Cytogenetic location: 9q34.11.
Variant type: single nucleotide variant.
Coding change: c.1436C>T on transcript NM_001131016.2 (MANE Select); coding-DNA position 1436, C replaced by T.
Protein change: p.Thr479Ile; replaces threonine 479 with isoleucine.
Molecular consequence: missense variant.
Genome position (GRCh38, 1-based): chr9:128,178,771, G>A on the plus strand (C>T on the coding strand, the complement: CIZ1 is on the minus strand). VCF-style: chr9-128178771-G-A. GRCh37 (hg19) VCF-style: chr9-130941050-G-A.
Other names: c.1268C>T, p.Thr423Ile (NM_001131015.2); c.1253C>T, p.Thr418Ile (NM_001131017.2); c.1196C>T, p.Thr399Ile (NM_001131018.2); c.1526C>T, p.Thr509Ile (NM_001257975.2); c.1133C>T, p.Thr378Ile (NM_001257976.2); c.1436C>T, p.Thr479Ile (NM_012127.3); short protein forms T378I, T423I, T509I, T399I, T479I, T418I.
Identifiers: ClinVar variation 2998625 (VCV002998625.3), dbSNP rs780499364, ClinGen allele CA5257308.